The following is an entry in ClinVar:

NM_018489.3(ASH1L):c.2883C>G (p.Asp961Glu)

Gene: ASH1L (ASH1 like histone lysine methyltransferase; minus strand). Cytogenetic location: 1q22.
Variant type: single nucleotide variant.
Coding change: c.2883C>G on transcript NM_018489.3 (MANE Select); coding-DNA position 2883, C replaced by G.
Protein change: p.Asp961Glu; replaces aspartic acid 961 with glutamic acid.
Molecular consequence: missense variant.
Genome position (GRCh38, 1-based): chr1:155,479,987, G>C on the plus strand (C>G on the coding strand, the complement: ASH1L is on the minus strand). VCF-style: chr1-155479987-G-C. GRCh37 (hg19) VCF-style: chr1-155449778-G-C.
Other names: c.2883C>G, p.Asp961Glu (NM_001366177.2); short protein forms D961E.
Identifiers: ClinVar variation 3388835 (VCV003388835.14).

ClinVar aggregate classification (germline): Uncertain significance (1 of 4 stars; one submission).

gnomAD v4.1: 1 of 1,613,568 alleles (0.000062%); highest among the groups gnomAD compares: Non-Finnish European, 0.000085%; no homozygotes.

Submission:

CeGaT Center for Human Genetics Tuebingen
Classification: Uncertain significance. Last evaluated: 2024-09-01. Review status: criteria provided, single submitter. Criteria: CeGaT Center For Human Genetics Tuebingen Variant Classification Criteria Version 2. Collection method: clinical testing. Allele origin: germline. Affected: yes. Observed: 1 variant allele.
Comment: ASH1L: PM2